The following is an entry in ClinVar:

NM_001042492.3(NF1):c.2710dup (p.Cys904fs)

Gene: NF1 (neurofibromin 1; plus strand). Cytogenetic location: 17q11.2.
Variant type: Duplication.
Coding change: c.2710dup on transcript NM_001042492.3 (MANE Select); coding-DNA position 2710, one base duplicated (T; older notation c.2710dupT).
Protein change: p.Cys904fs; shifts the reading frame from cysteine 904.
Molecular consequence: frameshift variant.
Genome position (GRCh38, 1-based): chr17:31,229,325, T duplicated. VCF-style (leftmost placement, unchanged base first): chr17-31229324-G-GT. GRCh37 (hg19) VCF-style: chr17-29556342-G-GT.
Other names: c.2710dupT (NM_000267.3); c.2710dup, p.Cys904Leufs (NM_000267.4); short protein forms C904fs.
Identifiers: ClinVar variation 457590 (VCV000457590.3), dbSNP rs1555614310, ClinGen allele CA658656625.
Genomic context (GRCh38, chr17:31,229,324, plus strand): 5'-AGAGGGAAACGCAGATACACCTGTCAGCAAATTTATGGATCGGCTGTTGTCCTTAATGGT[G>GT]TGTAACCATGAGAAAGTGGGACTTCAAATACGGACCAATGTTAAGGATCTGGTGGGTCTA-3'

ClinVar aggregate classification (germline): Pathogenic (1 of 4 stars; one submission).

Conditions:
Neurofibromatosis, type 1 (NF1). Also called: VON RECKLINGHAUSEN DISEASE; NEUROFIBROMATOSIS, TYPE I, SOMATIC; Peripheral type neurofibromatosis; Neurofibromatosis, type I. Identifiers: Orphanet 636, MedGen C0027831, MONDO:0018975, OMIM 162200. Disease mechanism: loss of function.

Submission:

Labcorp Genetics (formerly Invitae), Labcorp
Classification: Pathogenic for Neurofibromatosis, type 1. Last evaluated: 2023-12-05. Review status: criteria provided, single submitter. Criteria: Invitae Variant Classification Sherloc (09022015). Collection method: clinical testing. Allele origin: germline.
Comment: This sequence change creates a premature translational stop signal (p.Cys904Leufs*2) in the NF1 gene. It is expected to result in an absent or disrupted protein product. Loss-of-function variants in NF1 are known to be pathogenic (PMID: 10712197, 23913538). This variant is not present in population databases (gnomAD no frequency). This variant has not been reported in the literature in individuals affected with NF1-related conditions. ClinVar contains an entry for this variant (Variation ID: 457590). For these reasons, this variant has been classified as Pathogenic.

Literature cited by the submitters: PubMed 10712197; PubMed 23913538.